The following is an entry in ClinVar:

NM_000423.3(KRT2):c.536G>A (p.Arg179His)

Gene: KRT2 (keratin 2; minus strand). Cytogenetic location: 12q13.13.
Variant type: single nucleotide variant.
Coding change: c.536G>A on transcript NM_000423.3 (MANE Select); coding-DNA position 536, G replaced by A.
Protein change: p.Arg179His; replaces arginine 179 with histidine.
Molecular consequence: missense variant.
Genome position (GRCh38, 1-based): chr12:52,651,607, C>T on the plus strand (G>A on the coding strand, the complement: KRT2 is on the minus strand). VCF-style: chr12-52651607-C-T. GRCh37 (hg19) VCF-style: chr12-53045391-C-T.
Other names: short protein forms R179H.
Identifiers: ClinVar variation 309618 (VCV000309618.10), dbSNP rs202243677, ClinGen allele CA6585819.

ClinVar aggregate classification (germline): Conflicting classifications of pathogenicity. Review status: criteria provided, conflicting classifications (1 of 4 stars). 3 submissions from 3 submitters: Uncertain significance (1); Benign (1); Likely benign (1). Last evaluated 2026-01-01.

Conditions:
Ichthyosis bullosa of Siemens (IBS). Also called: Superficial epidermolytic ichthyosis. Identifiers: Orphanet 455, MedGen C0432306, MONDO:0007813, OMIM 146800.

Allele frequency attached by ClinVar (database versions not stated): gnomAD exomes 0.00007 and 0.00008; ExAC 0.00011; TOPMed 0.00011; gnomAD 0.00012 and 0.00013; ESP Exome Variant Server 0.00015; 1000 Genomes Project 30x 0.00016; 1000 Genomes Project 0.00020.
gnomAD v4.1: 128 of 1,614,192 alleles (0.0079%); highest among the groups gnomAD compares: Non-Finnish European, 0.0091%; no homozygotes.

Submissions (3):

CeGaT Center for Human Genetics Tuebingen
Classification: Likely benign. Last evaluated: 2026-01-01. Review status: criteria provided, single submitter. Criteria: CeGaT Center For Human Genetics Tuebingen Variant Classification Criteria Version 2. Collection method: clinical testing. Allele origin: germline. Affected: yes. Observed: 1 variant allele.
Comment: KRT2: BP5

Illumina Laboratory Services, Illumina
Classification: Benign for Ichthyosis bullosa of Siemens. Last evaluated: 2018-01-13. Review status: criteria provided, single submitter. Criteria: ICSL Variant Classification Criteria 13 December 2019. Collection method: clinical testing. Allele origin: germline.
Comment: This variant was observed in the ICSL laboratory as part of a predisposition screen in an ostensibly healthy population. It had not been previously curated by ICSL or reported in the Human Gene Mutation Database (HGMD: prior to June 1st, 2018), and was therefore a candidate for classification through an automated scoring system. Utilizing variant allele frequency, disease prevalence and penetrance estimates, and inheritance mode, an automated score was calculated to assess if this variant is too frequent to cause the disease. Based on the score and internal cut-off values, a variant classified as benign is not then subjected to further curation. The score for this variant resulted in a classification of benign for this disease.

GeneDx
Classification: Uncertain significance. Last evaluated: 2017-01-05. Review status: criteria provided, single submitter. Criteria: GeneDx Variant Classification (06012015). Collection method: clinical testing. Allele origin: germline. Affected: yes.
Comment: The R179H variant in the KRT5 gene has not been reported previously as a pathogenic variant, nor as a benign variant, to our knowledge. It was observed at low frequency in approximately 6,500 individuals of European and African American ancestry by the NHLBI Exome Sequencing Project and also in a GeneDx cohort of controls. This substitution occurs within a known mutational hotspot region (helix initiation motif) that is highly conserved across all species and among all members of the keratin family. Many other pathogenic variants in patients with epidermolysis bullosa simplex have been reported in nearby residues (E178K, Q181P I182N) according to the Human Gene Mutation Database (Stenson et al., 2014). However, this missense change occurs at a nucleotide position that is not conserved and in silico analysis is inconsistent in its predictions as to whether or not the variant is damaging to the protein structure/function. Therefore, we interpret R179H as a variant of uncertain significance.